The following is an entry in ClinVar:

NM_001001557.4(GDF6):c.304T>G (p.Tyr102Asp)

Gene: GDF6 (growth differentiation factor 6; minus strand). Cytogenetic location: 8q22.1.
Variant type: single nucleotide variant.
Coding change: c.304T>G on transcript NM_001001557.4 (MANE Select); coding-DNA position 304, T replaced by G.
Protein change: p.Tyr102Asp; replaces tyrosine 102 with aspartic acid.
Molecular consequence: missense variant.
Genome position (GRCh38, 1-based): chr8:96,160,389, A>C on the plus strand (T>G on the coding strand, the complement: GDF6 is on the minus strand). VCF-style: chr8-96160389-A-C. GRCh37 (hg19) VCF-style: chr8-97172617-A-C.
Other names: short protein forms Y102D.
Identifiers: ClinVar variation 3752426 (VCV003752426.2).
Genomic context (GRCh38, chr8:96,160,389, plus strand): 5'-TGGAAGACTGGAAAAAGCTGGCATTGATGCCCAGCTTCTCAGCGATGGAGTAAGTCCTGT[A>C]GATTGACAGCATGTACTCGTGGGGCACCACGCGCGGACCCCTGCCTGGCGGCTCCTGCGC-3'
Protein context (NP_001001557.1, residues 92-112): VVPHEYMLSI[Tyr102Asp]RTYSIAEKLG

ClinVar aggregate classification (germline): Uncertain significance (1 of 4 stars; one submission).

Conditions:
Klippel-Feil syndrome 1, autosomal dominant (KFS1). Also called: CERVICAL VERTEBRAL FUSION, AUTOSOMAL DOMINANT. Identifiers: Orphanet 2345, MedGen C1861689, MONDO:0007306, OMIM 118100.
Isolated microphthalmia 4. Identifiers: Orphanet 2542, MedGen C2751307, MONDO:0013130, OMIM 613094.
Leber congenital amaurosis 17 (LCA17). Identifiers: Orphanet 65, MedGen C3715164, MONDO:0014145, OMIM 615360.
Microphthalmia, isolated, with coloboma 6 (MCOPCB6). Also called: MICROPHTHALMIA/COLOBOMA 6; Microphthalmia with coloboma 6, digenic; Microphthalmia with coloboma 6. Identifiers: Orphanet 98938, MedGen C3150968, MONDO:0013376, OMIM 613703.

Submission:

Labcorp Genetics (formerly Invitae), Labcorp
Classification: Uncertain significance for Isolated microphthalmia 4; Leber congenital amaurosis 17; Klippel-Feil syndrome 1, autosomal dominant; Microphthalmia, isolated, with coloboma 6. Last evaluated: 2024-09-15. Review status: criteria provided, single submitter. Criteria: Invitae Variant Classification Sherloc (09022015). Collection method: clinical testing. Allele origin: germline.
Comment: This sequence change replaces tyrosine, which is neutral and polar, with aspartic acid, which is acidic and polar, at codon 102 of the GDF6 protein (p.Tyr102Asp). This variant is not present in population databases (gnomAD no frequency). This variant has not been reported in the literature in individuals affected with GDF6-related conditions. Invitae Evidence Modeling of protein sequence and biophysical properties (such as structural, functional, and spatial information, amino acid conservation, physicochemical variation, residue mobility, and thermodynamic stability) indicates that this missense variant is expected to disrupt GDF6 protein function with a positive predictive value of 80%. In summary, the available evidence is currently insufficient to determine the role of this variant in disease. Therefore, it has been classified as a Variant of Uncertain Significance.